The following is an entry in ClinVar:

NM_000334.4(SCN4A):c.553G>A (p.Asp185Asn)

Gene: SCN4A (sodium voltage-gated channel alpha subunit 4; minus strand). Cytogenetic location: 17q23.3.
Variant type: single nucleotide variant.
Coding change: c.553G>A on transcript NM_000334.4 (MANE Select); coding-DNA position 553, G replaced by A.
Protein change: p.Asp185Asn; replaces aspartic acid 185 with asparagine.
Molecular consequence: missense variant.
Genome position (GRCh38, 1-based): chr17:63,971,780, C>T on the plus strand (G>A on the coding strand, the complement: SCN4A is on the minus strand). VCF-style: chr17-63971780-C-T. GRCh37 (hg19) VCF-style: chr17-62049140-C-T.
Other names: short protein forms D185N.
Identifiers: ClinVar variation 197134 (VCV000197134.25), dbSNP rs778661227, ClinGen allele CA245096.

ClinVar aggregate classification (germline): Conflicting classifications of pathogenicity. Review status: criteria provided, conflicting classifications (1 of 4 stars). 12 submissions from 8 submitters: Uncertain significance (11); Likely benign (1). Last evaluated 2026-09-01.

Conditions:
Potassium-aggravated myotonia. Also called: MYOTONIA CONGENITA, ACETAZOLAMIDE-RESPONSIVE; MYOTONIA CONGENITA, ATYPICAL; SODIUM CHANNEL MUSCLE DISEASE; Myotonia congenita, atypical, acetazolamide-responsive. Identifiers: Orphanet 612, Orphanet 99734, Orphanet 99735, Orphanet 99736, MedGen C2931826, MONDO:0018959, OMIM 608390.
Hypokalemic periodic paralysis, type 2 (HOKPP2). Identifiers: Orphanet 681, MedGen C2750061, MONDO:0013234, OMIM 613345.
Paramyotonia congenita of Von Eulenburg. Also called: Eulenburg disease; Myotonia congenita intermittens; Von Eulenburg paramyotonia congenita; PARALYSIS PERIODICA PARAMYOTONICA; Paramyotonia Congenita. Identifiers: Orphanet 684, MedGen C0221055, MONDO:0008195, OMIM 168300. Disease mechanism: loss of function.
Congenital myopathy 22A, classic (CMYO22A). Identifiers: MedGen C5830453, MONDO:0957247, OMIM 620351.
Congenital myopathy 22B, severe fetal (CMYO22B). Identifiers: MedGen C5830501, MONDO:0957265, OMIM 620369.
Hyperkalemic periodic paralysis. Also called: Gamstorp disease; Familial hyperkalemic periodic paralysis. Identifiers: Orphanet 682, MedGen C0238357, MONDO:0008224, OMIM 170500, HP:0007215.
Congenital myasthenic syndrome 16. Identifiers: Orphanet 590, MedGen C3280112, MONDO:0013620, OMIM 614198.

Allele frequency attached by ClinVar (database versions not stated): gnomAD exomes 0.00004 and 0.00005; gnomAD 0.00002 and 0.00003; TOPMed 0.00008; ExAC 0.00009.

Submissions (12):

CeGaT Center for Human Genetics Tuebingen
Classification: Uncertain significance. Last evaluated: 2026-09-01. Review status: criteria provided, single submitter. Criteria: CeGaT Center For Human Genetics Tuebingen Variant Classification Criteria Version 2. Collection method: clinical testing. Allele origin: germline. Affected: yes. Observed: 1 variant allele.
Comment: SCN4A: PM2

GeneDx
Classification: Uncertain significance. Last evaluated: 2026-07-01. Review status: criteria provided, single submitter. Criteria: GeneDx Variant Classification Process June 2021. Collection method: clinical testing. Allele origin: germline.
Comment: In silico analysis suggests that this missense variant does not alter protein structure/function; Has not been previously published as pathogenic or benign to our knowledge

Labcorp Genetics (formerly Invitae), Labcorp
Classification: Uncertain significance for Hyperkalemic periodic paralysis. Last evaluated: 2025-10-29. Review status: criteria provided, single submitter. Criteria: Invitae Variant Classification Sherloc (09022015). Collection method: clinical testing. Allele origin: germline.
Comment: This sequence change replaces aspartic acid, which is acidic and polar, with asparagine, which is neutral and polar, at codon 185 of the SCN4A protein (p.Asp185Asn). This variant is present in population databases (rs778661227, gnomAD 0.01%). This variant has not been reported in the literature in individuals affected with SCN4A-related conditions. ClinVar contains an entry for this variant (Variation ID: 197134). Invitae Evidence Modeling of protein sequence and biophysical properties (such as structural, functional, and spatial information, amino acid conservation, physicochemical variation, residue mobility, and thermodynamic stability) indicates that this missense variant is not expected to disrupt SCN4A protein function with a negative predictive value of 95%. In summary, the available evidence is currently insufficient to determine the role of this variant in disease. Therefore, it has been classified as a Variant of Uncertain Significance.

Revvity Omics, Revvity
Classification: Uncertain significance. Last evaluated: 2025-06-24. Review status: criteria provided, single submitter. Criteria: ACMG Guidelines, 2015. Collection method: clinical testing. Allele origin: germline.

Fulgent Genetics
Classification: Uncertain significance for Paramyotonia congenita of Von Eulenburg; Hyperkalemic periodic paralysis; Potassium-aggravated myotonia; Hypokalemic periodic paralysis, type 2; Congenital myasthenic syndrome 16; Congenital myopathy 22A, classic; Congenital myopathy 22B, severe fetal. Last evaluated: 2024-06-24. Review status: criteria provided, single submitter. Criteria: ACMG Guidelines, 2015. Collection method: clinical testing. Allele origin: germline.

Athena Diagnostics
Classification: Uncertain significance. Last evaluated: 2019-03-26. Review status: criteria provided, single submitter. Criteria: Athena Diagnostics Criteria. Collection method: clinical testing. Allele origin: germline.

Illumina Laboratory Services, Illumina
Classification: Likely benign for Potassium-aggravated myotonia. Last evaluated: 2018-01-13. Review status: criteria provided, single submitter. Criteria: ICSL Variant Classification Criteria 13 December 2019. Collection method: clinical testing. Allele origin: germline.
Comment: This variant was observed in the ICSL laboratory as part of a predisposition screen in an ostensibly healthy population. It had not been previously curated by ICSL or reported in the Human Gene Mutation Database (HGMD: prior to June 1st, 2018), and was therefore a candidate for classification through an automated scoring system. Utilizing variant allele frequency, disease prevalence and penetrance estimates, and inheritance mode, an automated score was calculated to assess if this variant is too frequent to cause the disease. Based on the score and internal cut-off values, a variant classified as likely benign is not then subjected to further curation. The score for this variant resulted in a classification of likely benign for this disease.

Illumina Laboratory Services, Illumina
Classification: Uncertain significance for Congenital myasthenic syndrome 16. Last evaluated: 2018-01-13. Review status: criteria provided, single submitter. Criteria: ICSL Variant Classification Criteria 13 December 2019. Collection method: clinical testing. Allele origin: germline.

Illumina Laboratory Services, Illumina
Classification: Uncertain significance for Hyperkalemic periodic paralysis. Last evaluated: 2018-01-13. Review status: criteria provided, single submitter. Criteria: ICSL Variant Classification Criteria 13 December 2019. Collection method: clinical testing. Allele origin: germline.

Illumina Laboratory Services, Illumina
Classification: Uncertain significance for Paramyotonia congenita of Von Eulenburg. Last evaluated: 2018-01-13. Review status: criteria provided, single submitter. Criteria: ICSL Variant Classification Criteria 13 December 2019. Collection method: clinical testing. Allele origin: germline.

Illumina Laboratory Services, Illumina
Classification: Uncertain significance for Hypokalemic periodic paralysis, type 2. Last evaluated: 2018-01-13. Review status: criteria provided, single submitter. Criteria: ICSL Variant Classification Criteria 13 December 2019. Collection method: clinical testing. Allele origin: germline.

Eurofins Ntd Llc (ga)
Classification: Uncertain significance. Last evaluated: 2015-02-05. Review status: criteria provided, single submitter. Criteria: EGL Classification Definitions 2015. Collection method: clinical testing. Allele origin: germline. Observed: 1 variant allele, 1 heterozygote.